The following is an entry in ClinVar:

ClinVar aggregate classification (germline): Uncertain significance. Review status: criteria provided, multiple submitters, no conflicts (2 of 4 stars). 2 submissions from 2 submitters: Uncertain significance (2). Last evaluated 2024-09-03.

Conditions:
Arrhythmogenic right ventricular dysplasia 8 (ARVD8). Also called: ARRHYTHMOGENIC RIGHT VENTRICULAR DYSPLASIA, FAMILIAL, 8; ARRHYTHMOGENIC RIGHT VENTRICULAR CARDIOMYOPATHY 8; Arrhythmogenic Right Ventricular Dysplasia/Cardiomyopathy 8. Identifiers: MedGen C1843896, MONDO:0011831, OMIM 607450.
Arrhythmogenic cardiomyopathy with wooly hair and keratoderma. Also called: Arrhythmogenic cardiomyopathy with woolly hair and keratoderma; Dilated cardiomyopathy with woolly hair and keratoderma; Carvajal syndrome; PALMOPLANTAR KERATODERMA WITH LEFT VENTRICULAR CARDIOMYOPATHY AND WOOLLY HAIR. Identifiers: Orphanet 65282, MedGen C1854063, MONDO:0011581, OMIM 605676.
Cardiomyopathy (CMYO). Also called: Cardiomyopathies. Identifiers: Orphanet 167848, MedGen C0878544, MONDO:0004994, HP:0001638. Inheritance: Various modes of inheritance.

Submissions (2):

Color Diagnostics, LLC DBA Color Health
Classification: Uncertain significance for Cardiomyopathy. Last evaluated: 2024-09-03. Review status: criteria provided, single submitter. Criteria: ACMG Guidelines, 2015. Collection method: clinical testing. Allele origin: germline.
Comment: This missense variant replaces glycine with glutamic acid at codon 171 of the DSP protein. To our knowledge, functional studies have not been reported for this variant. This variant has not been reported in individuals affected with DSP-related disorders in the literature. This variant has not been identified in the general population by the Genome Aggregation Database (gnomAD). The available evidence is insufficient to determine the role of this variant in disease conclusively. Therefore, this variant is classified as a Variant of Uncertain Significance.

Labcorp Genetics (formerly Invitae), Labcorp
Classification: Uncertain significance for Arrhythmogenic cardiomyopathy with wooly hair and keratoderma; Arrhythmogenic right ventricular dysplasia 8. Last evaluated: 2022-02-02. Review status: criteria provided, single submitter. Criteria: Invitae Variant Classification Sherloc (09022015). Collection method: clinical testing. Allele origin: germline.
Comment: In summary, the available evidence is currently insufficient to determine the role of this variant in disease. Therefore, it has been classified as a Variant of Uncertain Significance. Algorithms developed to predict the effect of missense changes on protein structure and function are either unavailable or do not agree on the potential impact of this missense change (SIFT: "Not Available"; PolyPhen-2: "Probably Damaging"; Align-GVGD: "Not Available"). This sequence change replaces glycine, which is neutral and non-polar, with glutamic acid, which is acidic and polar, at codon 171 of the DSP protein (p.Gly171Glu). Information on the frequency of this variant in the gnomAD database is not available, as this variant may be reported differently in the database. This variant has not been reported in the literature in individuals affected with DSP-related conditions. ClinVar contains an entry for this variant (Variation ID: 1010947).

NM_004415.4(DSP):c.512_513delinsAA (p.Gly171Glu)

Gene: DSP (desmoplakin; plus strand). Cytogenetic location: 6p24.3.
Variant type: Indel.
Coding change: c.512_513delinsAA on transcript NM_004415.4 (MANE Select); coding-DNA positions 512 to 513, GC replaced by AA.
Protein change: p.Gly171Glu; replaces glycine 171 with glutamic acid.
Molecular consequence: missense variant.
Genome position (GRCh38, 1-based): chr6:7,559,315-7,559,316, GC replaced by AA. VCF-style: chr6-7559315-GC-AA. GRCh37 (hg19) VCF-style: chr6-7559548-GC-AA.
Other names: c.512_513delinsAA, p.Gly171Glu (NM_001008844.3, NM_001319034.2); short protein forms G171E.
Identifiers: ClinVar variation 1010947 (VCV001010947.11), dbSNP rs1758605814, ClinGen allele CA1608609308.
Genomic context (GRCh38, chr6:7,559,315, plus strand): 5'-CCCTTTATAAAGCCATCAGTGTCCCTCGAGTCCGCAGGGCCAGCTCCAAGGGTGGTGGAG[GC>AA]TACACTTGTCAGAGTGGCTCTGGCTGGGATGAGTTCACCAAACATGTCACCAGTGAATGT-3'
Protein context (NP_004406.2, residues 161-181): VRRASSKGGG[Gly171Glu]YTCQSGSGWD